The following is an entry in ClinVar:

NM_001035.3(RYR2):c.5639A>T (p.Glu1880Val)

Gene: RYR2 (ryanodine receptor 2; plus strand). Cytogenetic location: 1q43.
Variant type: single nucleotide variant.
Coding change: c.5639A>T on transcript NM_001035.3 (MANE Select); coding-DNA position 5639, A replaced by T.
Protein change: p.Glu1880Val; replaces glutamic acid 1880 with valine.
Molecular consequence: missense variant.
Genome position (GRCh38, 1-based): chr1:237,614,767, A>T. VCF-style: chr1-237614767-A-T. GRCh37 (hg19) VCF-style: chr1-237778067-A-T.
Other names: short protein forms E1880V.
Identifiers: ClinVar variation 179324 (VCV000179324.9), dbSNP rs727504792, ClinGen allele CA009917.

ClinVar aggregate classification (germline): Uncertain significance. Review status: criteria provided, multiple submitters, no conflicts (2 of 4 stars). 3 submissions from 3 submitters: Uncertain significance (3). Last evaluated 2025-07-29.

Conditions:
Catecholaminergic polymorphic ventricular tachycardia 1. Also called: RYR2-Related Catecholaminergic Polymorphic Ventricular Tachycardia; VENTRICULAR TACHYCARDIA, STRESS-INDUCED POLYMORPHIC 1; VENTRICULAR TACHYCARDIA, CATECHOLAMINERGIC POLYMORPHIC, 1, WITH OR WITHOUT ATRIAL DYSFUNCTION AND/OR DILATED CARDIOMYOPATHY. Identifiers: Orphanet 3286, MedGen C1631597, MONDO:0011484, OMIM 604772.

Allele frequency attached by ClinVar (database versions not stated): gnomAD exomes below 0.00001.
gnomAD v4.1: 1 of 1,612,400 alleles (0.000062%); highest among the groups gnomAD compares: Non-Finnish European, 0.000085%; no homozygotes.

Submissions (3):

GeneDx
Classification: Uncertain significance. Last evaluated: 2025-07-29. Review status: criteria provided, single submitter. Criteria: GeneDx Variant Classification Process June 2021. Collection method: clinical testing. Allele origin: germline. Affected: yes.
Comment: Not observed at significant frequency in large population cohorts (gnomAD); In silico analysis supports that this missense variant has a deleterious effect on protein structure/function; Has not been previously published as pathogenic or benign to our knowledge; Not located in one of the three hot-spot regions of the RYR2 gene, where the majority of pathogenic missense variants occur (PMID: 19926015); This variant is associated with the following publications: (PMID: 19926015)

Labcorp Genetics (formerly Invitae), Labcorp
Classification: Uncertain significance for Catecholaminergic polymorphic ventricular tachycardia 1. Last evaluated: 2023-03-09. Review status: criteria provided, single submitter. Criteria: Invitae Variant Classification Sherloc (09022015). Collection method: clinical testing. Allele origin: germline.
Comment: This sequence change replaces glutamic acid, which is acidic and polar, with valine, which is neutral and non-polar, at codon 1880 of the RYR2 protein (p.Glu1880Val). This variant is not present in population databases (gnomAD no frequency). This variant has not been reported in the literature in individuals affected with RYR2-related conditions. ClinVar contains an entry for this variant (Variation ID: 179324). Advanced modeling of protein sequence and biophysical properties (such as structural, functional, and spatial information, amino acid conservation, physicochemical variation, residue mobility, and thermodynamic stability) performed at Invitae indicates that this missense variant is not expected to disrupt RYR2 protein function. Algorithms developed to predict the effect of sequence changes on RNA splicing suggest that this variant may disrupt the consensus splice site. In summary, the available evidence is currently insufficient to determine the role of this variant in disease. Therefore, it has been classified as a Variant of Uncertain Significance.

Laboratory for Molecular Medicine, Mass General Brigham Personalized Medicine
Classification: Uncertain significance. Last evaluated: 2013-10-05. Review status: criteria provided, single submitter. Criteria: LMM Criteria. Collection method: clinical testing. Allele origin: germline. Observed: 1 variant allele.
Comment: The Glu1880Val variant in RYR2 has not been previously reported in individuals w ith cardiomyopathy or in large population studies. Computational analyses (bioch emical amino acid properties, conservation, AlignGVGD, PolyPhen2, and SIFT) do n ot provide strong support for or against an impact to the protein. Additional in formation is needed to fully assess the clinical significance of the Glu1880Val variant.